The following is an entry in ClinVar:

NM_001197104.2(KMT2A):c.3709G>A (p.Val1237Met)

Gene: KMT2A (lysine methyltransferase 2A; plus strand). Cytogenetic location: 11q23.3.
Variant type: single nucleotide variant.
Coding change: c.3709G>A on transcript NM_001197104.2 (MANE Select); coding-DNA position 3709, G replaced by A.
Protein change: p.Val1237Met; replaces valine 1237 with methionine.
Molecular consequence: missense variant.
Genome position (GRCh38, 1-based): chr11:118,481,789, G>A. VCF-style: chr11-118481789-G-A. GRCh37 (hg19) VCF-style: chr11-118352504-G-A.
Other names: c.3808G>A, p.Val1270Met (NM_001412597.1); c.3709G>A, p.Val1237Met (NM_005933.4); short protein forms V1237M, V1270M.
Identifiers: ClinVar variation 2998145 (VCV002998145.4), dbSNP rs572783697, ClinGen allele CA382827361.

ClinVar aggregate classification (germline): Uncertain significance. Review status: criteria provided, multiple submitters, no conflicts (2 of 4 stars). 2 submissions from 2 submitters: Uncertain significance (2). Last evaluated 2024-12-24.

Conditions:
KMT2A-related disorder. Also called: KMT2A-related condition.

gnomAD v4.1: 8 of 1,614,170 alleles (0.0005%); highest among the groups gnomAD compares: East Asian, 0.0089%; no homozygotes.

Submissions (2):

PreventionGenetics, part of Exact Sciences
Classification: Uncertain significance for KMT2A-related condition. Last evaluated: 2024-12-24. Review status: criteria provided, single submitter. Criteria: ACMG Guidelines, 2015. Collection method: clinical testing. Allele origin: germline.
Comment: The KMT2A c.3709G>A variant is predicted to result in the amino acid substitution p.Val1237Met. To our knowledge, this variant has not been reported in the literature. This variant is reported in 0.0096% of alleles in individuals of Ashkenazi Jewish descent in gnomAD. This variant is interpreted as variant of uncertain significance in ClinVar. At this time, the clinical significance of this variant is uncertain due to the absence of conclusive functional and genetic evidence.

Labcorp Genetics (formerly Invitae), Labcorp
Classification: Uncertain significance. Last evaluated: 2023-09-08. Review status: criteria provided, single submitter. Criteria: Invitae Variant Classification Sherloc (09022015). Collection method: clinical testing. Allele origin: germline.
Comment: This variant is present in population databases (no rsID available, gnomAD 0.01%). This variant has not been reported in the literature in individuals affected with KMT2A-related conditions. Advanced modeling of protein sequence and biophysical properties (such as structural, functional, and spatial information, amino acid conservation, physicochemical variation, residue mobility, and thermodynamic stability) performed at Invitae indicates that this missense variant is not expected to disrupt KMT2A protein function. In summary, the available evidence is currently insufficient to determine the role of this variant in disease. Therefore, it has been classified as a Variant of Uncertain Significance. This sequence change replaces valine, which is neutral and non-polar, with methionine, which is neutral and non-polar, at codon 1237 of the KMT2A protein (p.Val1237Met).